The following is an entry in ClinVar:

NM_198859.4(PRICKLE2):c.569G>A (p.Cys190Tyr)

Gene: PRICKLE2 (prickle planar cell polarity protein 2; minus strand). Cytogenetic location: 3p14.1.
Variant type: single nucleotide variant.
Coding change: c.569G>A on transcript NM_198859.4 (MANE Select); coding-DNA position 569, G replaced by A.
Protein change: p.Cys190Tyr; replaces cysteine 190 with tyrosine.
Molecular consequence: missense variant.
Genome position (GRCh38, 1-based): chr3:64,157,193, C>T on the plus strand (G>A on the coding strand, the complement: PRICKLE2 is on the minus strand). VCF-style: chr3-64157193-C-T. GRCh37 (hg19) VCF-style: chr3-64142869-C-T.
Other names: c.569G>A, p.Cys190Tyr (NM_001370528.1); short protein forms C190Y.
Identifiers: ClinVar variation 3671108 (VCV003671108.2).

ClinVar aggregate classification (germline): Uncertain significance (1 of 4 stars; one submission).

Conditions:
Progressive myoclonic epilepsy type 5. Identifiers: Orphanet 402082, MedGen C5190799.

gnomAD v4.1: 29 of 1,614,026 alleles (0.0018%); highest among the groups gnomAD compares: Non-Finnish European, 0.0025%; no homozygotes.

Submission:

Labcorp Genetics (formerly Invitae), Labcorp
Classification: Uncertain significance for Progressive myoclonic epilepsy type 5. Last evaluated: 2024-04-16. Review status: criteria provided, single submitter. Criteria: Invitae Variant Classification Sherloc (09022015). Collection method: clinical testing. Allele origin: germline.
Comment: This sequence change replaces cysteine, which is neutral and slightly polar, with tyrosine, which is neutral and polar, at codon 190 of the PRICKLE2 protein (p.Cys190Tyr). This variant is not present in population databases (gnomAD no frequency). This variant has not been reported in the literature in individuals affected with PRICKLE2-related conditions. Advanced modeling of protein sequence and biophysical properties (such as structural, functional, and spatial information, amino acid conservation, physicochemical variation, residue mobility, and thermodynamic stability) performed at Invitae indicates that this missense variant is not expected to disrupt PRICKLE2 protein function with a negative predictive value of 80%. In summary, the available evidence is currently insufficient to determine the role of this variant in disease. Therefore, it has been classified as a Variant of Uncertain Significance.